The following is an entry in ClinVar:

NM_004104.5(FASN):c.5888G>C (p.Gly1963Ala)

Gene: FASN (fatty acid synthase; minus strand). Cytogenetic location: 17q25.3.
Variant type: single nucleotide variant.
Coding change: c.5888G>C on transcript NM_004104.5 (MANE Select); coding-DNA position 5888, G replaced by C.
Protein change: p.Gly1963Ala; replaces glycine 1963 with alanine.
Molecular consequence: missense variant.
Genome position (GRCh38, 1-based): chr17:82,082,558, C>G on the plus strand (G>C on the coding strand, the complement: FASN is on the minus strand). VCF-style: chr17-82082558-C-G. GRCh37 (hg19) VCF-style: chr17-80040434-C-G.
Other names: short protein forms G1963A.
Identifiers: ClinVar variation 1485073 (VCV001485073.8), dbSNP rs1396360653, ClinGen allele CA401534900.

ClinVar aggregate classification (germline): Uncertain significance (1 of 4 stars; one submission).

Conditions:
Epileptic encephalopathy. Identifiers: MedGen C0543888, HP:0200134.

Allele frequency attached by ClinVar (database versions not stated): gnomAD exomes below 0.00001.
gnomAD v4.1: 1 of 1,608,866 alleles (0.000062%); highest among the groups gnomAD compares: Non-Finnish European, 0.000085%; no homozygotes.

Submission:

Labcorp Genetics (formerly Invitae), Labcorp
Classification: Uncertain significance for Epileptic encephalopathy. Last evaluated: 2025-05-01. Review status: criteria provided, single submitter. Criteria: Invitae Variant Classification Sherloc (09022015). Collection method: clinical testing. Allele origin: germline.
Comment: This sequence change replaces glycine, which is neutral and non-polar, with alanine, which is neutral and non-polar, at codon 1963 of the FASN protein (p.Gly1963Ala). This variant is present in population databases (no rsID available, gnomAD 0.0009%). This variant has not been reported in the literature in individuals affected with FASN-related conditions. ClinVar contains an entry for this variant (Variation ID: 1485073). An algorithm developed to predict the effect of missense changes on protein structure and function (PolyPhen-2) suggests that this variant is likely to be disruptive. In summary, the available evidence is currently insufficient to determine the role of this variant in disease. Therefore, it has been classified as a Variant of Uncertain Significance.